The following is an entry in ClinVar:

ClinVar aggregate classification (germline): Benign/Likely benign. Review status: criteria provided, multiple submitters, no conflicts (2 of 4 stars). 8 submissions from 8 submitters: Benign (2); Likely benign (3). 3 of the submissions do not count toward it. Last evaluated 2026-01-24.

Conditions:
COL9A1-related disorder. Also called: COL9A1-related condition; COL9A1-related disorders.

Allele frequency attached by ClinVar (database versions not stated): gnomAD exomes 0.00019 and 0.00052; ExAC 0.00060; 1000 Genomes Project 30x 0.00187; gnomAD 0.00196 and 0.00214; 1000 Genomes Project 0.00200; ESP Exome Variant Server 0.00208; TOPMed 0.00221.
gnomAD v4.1: 601 of 1,613,642 alleles (0.037%); highest among the groups gnomAD compares: African/African-American, 0.69%; 1 homozygote.

Submissions (8):

Labcorp Genetics (formerly Invitae), Labcorp
Classification: Benign. Last evaluated: 2026-01-24. Review status: criteria provided, single submitter. Criteria: Invitae Variant Classification Sherloc (09022015). Collection method: clinical testing. Allele origin: germline.

CeGaT Center for Human Genetics Tuebingen
Classification: Likely benign. Last evaluated: 2025-01-01. Review status: criteria provided, single submitter. Criteria: CeGaT Center For Human Genetics Tuebingen Variant Classification Criteria Version 2. Collection method: clinical testing. Allele origin: germline. Affected: yes. Observed: 1 variant allele.
Comment: COL9A1: BP4, BP7

Blueprint Genetics
Classification: Likely benign. Last evaluated: 2024-09-13. Review status: criteria provided, single submitter. Criteria: ACMG Guidelines, 2015. Collection method: clinical testing. Allele origin: germline.

GeneDx
Classification: Likely benign. Last evaluated: 2019-11-20. Review status: criteria provided, single submitter. Criteria: GeneDx Variant Classification Process June 2021. Collection method: clinical testing. Allele origin: germline. Affected: yes.

Eurofins Ntd Llc (ga)
Classification: Benign. Last evaluated: 2015-11-18. Review status: criteria provided, single submitter. Criteria: EGL Classification Definitions 2015. Collection method: clinical testing. Allele origin: germline. Observed: 1 variant allele, 1 heterozygote.

PreventionGenetics, part of Exact Sciences
Classification: Benign for COL9A1-related condition. Last evaluated: 2019-05-09. Review status: no assertion criteria provided. Collection method: clinical testing. Allele origin: germline. Not counted in ClinVar's aggregate classification.
Comment: This variant is classified as benign based on ACMG/AMP sequence variant interpretation guidelines (Richards et al. 2015 PMID: 25741868, with internal and published modifications).

Clinical Genetics DNA and cytogenetics Diagnostics Lab, Erasmus MC, Erasmus Medical Center
Classification: Likely benign. Review status: no assertion criteria provided. Collection method: clinical testing. Allele origin: germline. Affected: yes. Study: VKGL Data-share Consensus. Not counted in ClinVar's aggregate classification.

Clinical Genetics, Academic Medical Center
Classification: Benign. Review status: no assertion criteria provided. Collection method: clinical testing. Allele origin: germline. Affected: yes. Study: VKGL Data-share Consensus. Not counted in ClinVar's aggregate classification.

NM_001851.6(COL9A1):c.138G>A (p.Lys46=)

Gene: COL9A1 (collagen type IX alpha 1 chain; minus strand). Cytogenetic location: 6q13.
Variant type: single nucleotide variant.
Coding change: c.138G>A on transcript NM_001851.6 (MANE Select); coding-DNA position 138, G replaced by A.
Protein change: p.Lys46=; no amino-acid change (lysine 46 retained).
Molecular consequence: synonymous variant.
Genome position (GRCh38, 1-based): chr6:70,300,337, C>T on the plus strand (G>A on the coding strand, the complement: COL9A1 is on the minus strand). VCF-style: chr6-70300337-C-T. GRCh37 (hg19) VCF-style: chr6-71010040-C-T.
Other names: c.138G>A, p.Lys46= (NM_001377291.1).
Identifiers: ClinVar variation 284613 (VCV000284613.37), dbSNP rs139361722, ClinGen allele CA3882915.